The following is an entry in ClinVar:

NM_003072.5(SMARCA4):c.3772G>A (p.Glu1258Lys)

Gene: SMARCA4 (SWI/SNF related BAF chromatin remodeling complex subunit ATPase 4; plus strand). Cytogenetic location: 19p13.2.
Variant type: single nucleotide variant.
Coding change: c.3772G>A on transcript NM_003072.5 (MANE Select); coding-DNA position 3772, G replaced by A.
Protein change: p.Glu1258Lys; replaces glutamic acid 1258 with lysine.
Molecular consequence: missense variant. On other transcripts: non-coding transcript variant (1).
Genome position (GRCh38, 1-based): chr19:11,033,515, G>A. VCF-style: chr19-11033515-G-A. GRCh37 (hg19) VCF-style: chr19-11144191-G-A.
Other names: c.3772G>A, p.Glu1258Lys (NM_001128844.3, NM_001128845.2, NM_001128846.2 and 6 more transcripts); short protein forms E1258K.
Identifiers: ClinVar variation 4729820 (VCV004729820.1).

ClinVar aggregate classification (germline): Uncertain significance (1 of 4 stars; one submission).

Conditions:
Rhabdoid tumor predisposition syndrome 2 (RTPS2). Identifiers: Orphanet 231108, Orphanet 69077, MedGen C2750074, MONDO:0013224, OMIM 613325.

Submission:

Labcorp Genetics (formerly Invitae), Labcorp
Classification: Uncertain significance for Rhabdoid tumor predisposition syndrome 2. Last evaluated: 2025-10-24. Review status: criteria provided, single submitter. Criteria: Invitae Variant Classification Sherloc (09022015). Collection method: clinical testing. Allele origin: germline.
Comment: This sequence change replaces glutamic acid, which is acidic and polar, with lysine, which is basic and polar, at codon 1258 of the SMARCA4 protein (p.Glu1258Lys). This variant is not present in population databases (gnomAD no frequency). This variant has not been reported in the literature in individuals affected with SMARCA4-related conditions. An algorithm developed to predict the effect of missense changes on protein structure and function (PolyPhen-2) suggests that this variant is likely to be tolerated. In summary, the available evidence is currently insufficient to determine the role of this variant in disease. Therefore, it has been classified as a Variant of Uncertain Significance.